The following is an entry in ClinVar:

ClinVar aggregate classification (germline): Uncertain significance (1 of 4 stars; one submission).

Submission:

Labcorp Genetics (formerly Invitae), Labcorp
Classification: Uncertain significance. Last evaluated: 2024-05-20. Review status: criteria provided, single submitter. Criteria: Invitae Variant Classification Sherloc (09022015). Collection method: clinical testing. Allele origin: germline.
Comment: This sequence change replaces glycine, which is neutral and non-polar, with arginine, which is basic and polar, at codon 205 of the COL9A2 protein (p.Gly205Arg). This variant is not present in population databases (gnomAD no frequency). This variant has not been reported in the literature in individuals affected with COL9A2-related conditions. Advanced modeling of protein sequence and biophysical properties (such as structural, functional, and spatial information, amino acid conservation, physicochemical variation, residue mobility, and thermodynamic stability) performed at Invitae indicates that this missense variant is expected to disrupt COL9A2 protein function with a positive predictive value of 95%. In summary, the available evidence is currently insufficient to determine the role of this variant in disease. Therefore, it has been classified as a Variant of Uncertain Significance.

NM_001852.4(COL9A2):c.613G>C (p.Gly205Arg)

Gene: COL9A2 (collagen type IX alpha 2 chain; minus strand). Cytogenetic location: 1p34.2.
Variant type: single nucleotide variant.
Coding change: c.613G>C on transcript NM_001852.4 (MANE Select); coding-DNA position 613, G replaced by C.
Protein change: p.Gly205Arg; replaces glycine 205 with arginine.
Molecular consequence: missense variant.
Genome position (GRCh38, 1-based): chr1:40,311,110, C>G on the plus strand (G>C on the coding strand, the complement: COL9A2 is on the minus strand). VCF-style: chr1-40311110-C-G. GRCh37 (hg19) VCF-style: chr1-40776782-C-G.
Other names: short protein forms G205R.
Identifiers: ClinVar variation 3633538 (VCV003633538.2).